The following is an entry in ClinVar:

ClinVar aggregate classification (germline): Uncertain significance (1 of 4 stars; one submission).

Conditions:
UCP3-related disorder. Also called: UCP3-related condition.

Submission:

PreventionGenetics, part of Exact Sciences
Classification: Uncertain significance for UCP3-related condition. Last evaluated: 2026-03-03. Review status: criteria provided, single submitter. Criteria: ACMG Guidelines, 2015. Collection method: clinical testing. Allele origin: germline.
Comment: The UCP3 c.134G>T variant is predicted to result in the amino acid substitution p.Gly45Val. To our knowledge, this variant has not been reported in the literature or in a large population database (gnomAD), indicating this variant is rare. At this time, the clinical significance of this variant is uncertain due to the absence of conclusive functional and genetic evidence.

NM_003356.4(UCP3):c.134G>T (p.Gly45Val)

Gene: UCP3 (uncoupling protein 3; minus strand). Cytogenetic location: 11q13.4.
Variant type: single nucleotide variant.
Coding change: c.134G>T on transcript NM_003356.4 (MANE Select); coding-DNA position 134, G replaced by T.
Protein change: p.Gly45Val; replaces glycine 45 with valine.
Molecular consequence: missense variant.
Genome position (GRCh38, 1-based): chr11:74,006,372, C>A on the plus strand (G>T on the coding strand, the complement: UCP3 is on the minus strand). VCF-style: chr11-74006372-C-A. GRCh37 (hg19) VCF-style: chr11-73717417-C-A.
Other names: c.134G>T, p.Gly45Val (NM_022803.3); short protein forms G45V.
Identifiers: ClinVar variation 4991615 (VCV004991615.1).